The following is an entry in ClinVar:

ClinVar aggregate classification (germline): Uncertain significance. Review status: criteria provided, multiple submitters, no conflicts (2 of 4 stars). 4 submissions from 4 submitters: Uncertain significance (4). Last evaluated 2025-10-27.

Conditions:
Charcot-Marie-Tooth disease type 4. Also called: Charcot-Marie-Tooth disease, type IV; Charcot-Marie-Tooth, Type 4. Identifiers: Orphanet 64749, MedGen C4082197, MONDO:0018995.
Inborn genetic diseases. Identifiers: MedGen C0950123, MeSH D030342.
Charcot-Marie-Tooth disease type 4B2. Also called: Charcot-Marie-Tooth Neuropathy Type 4B2; CHARCOT-MARIE-TOOTH DISEASE, WITH FOCALLY FOLDED MYELIN SHEATHS, AUTOSOMAL RECESSIVE, TYPE 4B2; CMT 4B2; CHARCOT-MARIE-TOOTH DISEASE, DEMYELINATING, TYPE 4B2. Identifiers: Orphanet 99956, MedGen C1858278, MONDO:0011475, OMIM 604563.

Allele frequency attached by ClinVar (database versions not stated): gnomAD below 0.00001 and 0.00001; TOPMed 0.00002; gnomAD exomes 0.00003 and 0.00005; ExAC 0.00007.

Submissions (4):

Women's Health and Genetics/Laboratory Corporation of America, LabCorp
Classification: Uncertain significance. Last evaluated: 2025-10-27. Review status: criteria provided, single submitter. Criteria: LabCorp Variant Classification Summary - May 2015. Collection method: clinical testing. Allele origin: germline.
Comment: Variant summary: SBF2 c.3001A>T (p.Met1001Leu) results in a conservative amino acid change in the encoded protein sequence. Algorithms developed to predict the effect of missense changes on protein structure and function are either unavailable or do not agree on the potential impact of this missense change. The variant allele was found at a frequency of 4.8e-05 in 251326 control chromosomes. This frequency is not significantly higher than estimated for disease-causing variants in SBF2, allowing no conclusion about variant significance. To our knowledge, no occurrence of c.3001A>T in individuals affected with SBF2-related conditions and no experimental evidence demonstrating its impact on protein function have been reported. ClinVar contains an entry for this variant (Variation ID: 306590). Based on the evidence outlined above, the variant was classified as uncertain significance.

Labcorp Genetics (formerly Invitae), Labcorp
Classification: Uncertain significance for Charcot-Marie-Tooth disease type 4. Last evaluated: 2024-09-19. Review status: criteria provided, single submitter. Criteria: Invitae Variant Classification Sherloc (09022015). Collection method: clinical testing. Allele origin: germline.
Comment: This sequence change replaces methionine, which is neutral and non-polar, with leucine, which is neutral and non-polar, at codon 1001 of the SBF2 protein (p.Met1001Leu). This variant is present in population databases (rs781742897, gnomAD 0.04%). This variant has not been reported in the literature in individuals affected with SBF2-related conditions. ClinVar contains an entry for this variant (Variation ID: 306590). Invitae Evidence Modeling of protein sequence and biophysical properties (such as structural, functional, and spatial information, amino acid conservation, physicochemical variation, residue mobility, and thermodynamic stability) indicates that this missense variant is not expected to disrupt SBF2 protein function with a negative predictive value of 80%. In summary, the available evidence is currently insufficient to determine the role of this variant in disease. Therefore, it has been classified as a Variant of Uncertain Significance.

Ambry Genetics
Classification: Uncertain significance for Inborn genetic diseases. Last evaluated: 2020-11-25. Review status: criteria provided, single submitter. Criteria: Ambry Variant Classification Scheme 2023. Collection method: clinical testing. Allele origin: germline.
Comment: The p.M1001L variant (also known as c.3001A>T), located in coding exon 24 of the SBF2 gene, results from an A to T substitution at nucleotide position 3001. The methionine at codon 1001 is replaced by leucine, an amino acid with highly similar properties. This amino acid position is well conserved in available vertebrate species. In addition, the in silico prediction for this alteration is inconclusive. Since supporting evidence is limited at this time, the clinical significance of this alteration remains unclear.

Illumina Laboratory Services, Illumina
Classification: Uncertain significance for Charcot-Marie-Tooth disease type 4B2. Last evaluated: 2018-01-13. Review status: criteria provided, single submitter. Criteria: ICSL Variant Classification Criteria 13 December 2019. Collection method: clinical testing. Allele origin: germline.

NM_030962.4(SBF2):c.3001A>T (p.Met1001Leu)

Genes: SBF2 (SET binding factor 2; minus strand), LOC101928008 (uncharacterized LOC101928008; plus strand). Cytogenetic location: 11p15.4.
Variant type: single nucleotide variant.
Coding change: c.3001A>T on transcript NM_030962.4 (MANE Select); coding-DNA position 3001, A replaced by T.
Protein change: p.Met1001Leu; replaces methionine 1001 with leucine.
Molecular consequence: missense variant.
Genome position (GRCh38, 1-based): chr11:9,845,674, T>A on the plus strand (A>T on the coding strand, the complement: SBF2 is on the minus strand). VCF-style: chr11-9845674-T-A. GRCh37 (hg19) VCF-style: chr11-9867221-T-A.
Other names: c.3001A>T, p.Met1001Leu (NM_001386339.1); c.2872A>T, p.Met958Leu (NM_001386342.1); short protein forms M1001L, M958L.
Identifiers: ClinVar variation 306590 (VCV000306590.15), dbSNP rs781742897, ClinGen allele CA5881396.
Genomic context (GRCh38, chr11:9,845,674, plus strand): 5'-TAGTTTGTCCAGCAGCAAAAGCAAAGGTACTGAAAATGGACTGAGGATAACGGAACTTCA[T>A]CAGCTGTTTCTTAAAGATCTCTACTACTTCTGGACTGACTTCTTCATCAAATGCTACCTT-3'
Protein context (NP_112224.1, residues 991-1011): EVVEIFKKQL[Met1001Leu]KFRYPQSIFS